The following is an entry in ClinVar:

NM_000202.8(IDS):c.773G>A (p.Gly258Asp)

Genes: IDS (iduronate 2-sulfatase; minus strand), LOC106050102 (IDS recombination region; plus strand). Cytogenetic location: Xq28.
Variant type: single nucleotide variant.
Coding change: c.773G>A on transcript NM_000202.8 (MANE Select); coding-DNA position 773, G replaced by A.
Protein change: p.Gly258Asp; replaces glycine 258 with aspartic acid.
Molecular consequence: missense variant. On other transcripts: non-coding transcript variant (1).
Genome position (GRCh38, 1-based): chrX:149,496,452, C>T on the plus strand (G>A on the coding strand, the complement: IDS is on the minus strand). VCF-style: chrX-149496452-C-T. GRCh37 (hg19) VCF-style: chrX-148577983-C-T.
Other names: c.503G>A, p.Gly168Asp (NM_001166550.4); c.773G>A, p.Gly258Asp (NM_006123.5); short protein forms G258D, G168D.
Identifiers: ClinVar variation 1365370 (VCV001365370.6), dbSNP rs2124041717, ClinGen allele CA414521972.

ClinVar aggregate classification (germline): Uncertain significance (1 of 4 stars; one submission).

Conditions:
Mucopolysaccharidosis, MPS-II (MPS2). Also called: IDS deficiency; Sulfoiduronate sulfatase deficiency; SIDS deficiency; Mucopolysaccharidosis with skin involvement; Attenuated MPS (subtype; formerly known as mild MPS II); Severe MPS II. Identifiers: Orphanet 580, Orphanet 79388, MedGen C0026705, MONDO:0010674, OMIM 309900.

Submission:

Labcorp Genetics (formerly Invitae), Labcorp
Classification: Uncertain significance for Mucopolysaccharidosis, MPS-II. Last evaluated: 2021-11-29. Review status: criteria provided, single submitter. Criteria: Invitae Variant Classification Sherloc (09022015). Collection method: clinical testing. Allele origin: germline.
Comment: Algorithms developed to predict the effect of missense changes on protein structure and function (SIFT, PolyPhen-2, Align-GVGD) all suggest that this variant is likely to be tolerated. This sequence change replaces glycine, which is neutral and non-polar, with aspartic acid, which is acidic and polar, at codon 258 of the IDS protein (p.Gly258Asp). This variant is not present in population databases (gnomAD no frequency). This variant has not been reported in the literature in individuals affected with IDS-related conditions. In summary, the available evidence is currently insufficient to determine the role of this variant in disease. Therefore, it has been classified as a Variant of Uncertain Significance.